The following is an entry in ClinVar:

NM_015662.3(IFT172):c.3623G>C (p.Arg1208Pro)

Genes: IFT172 (intraflagellar transport 172; minus strand), LOC126806173 (BRD4-independent group 4 enhancer GRCh37_chr2:27676057-27677256; plus strand). Cytogenetic location: 2p23.3.
Variant type: single nucleotide variant.
Coding change: c.3623G>C on transcript NM_015662.3 (MANE Select); coding-DNA position 3623, G replaced by C.
Protein change: p.Arg1208Pro; replaces arginine 1208 with proline.
Molecular consequence: missense variant.
Genome position (GRCh38, 1-based): chr2:27,454,070, C>G on the plus strand (G>C on the coding strand, the complement: IFT172 is on the minus strand). VCF-style: chr2-27454070-C-G. GRCh37 (hg19) VCF-style: chr2-27676937-C-G.
Other names: c.3623G>C (NM_015662.2); short protein forms R1208P.
Identifiers: ClinVar variation 1497541 (VCV001497541.11), dbSNP rs758387302, ClinGen allele CA346378436.

ClinVar aggregate classification (germline): Uncertain significance. Review status: criteria provided, multiple submitters, no conflicts (2 of 4 stars). 3 submissions from 3 submitters: Uncertain significance (3). Last evaluated 2025-03-11.

Conditions:
Retinitis pigmentosa 71 (RP71). Identifiers: Orphanet 791, MedGen C4225342, MONDO:0014618, OMIM 616394.
Short-rib thoracic dysplasia 10 with or without polydactyly (SRTD10). Identifiers: Orphanet 474, MedGen C3810175, MONDO:0014284, OMIM 615630.
Bardet-Biedl syndrome 20. Identifiers: MedGen C4310707, MONDO:0023670, OMIM 619471, MONDO:0014926.
IFT172-related disorder. Also called: IFT172-related condition; IFT172-related disorders.

gnomAD v4.1: 29 of 1,614,012 alleles (0.0018%); highest among the groups gnomAD compares: Non-Finnish European, 0.0023%; no homozygotes.

Submissions (3):

PreventionGenetics, part of Exact Sciences
Classification: Uncertain significance for IFT172-related condition. Last evaluated: 2025-03-11. Review status: criteria provided, single submitter. Criteria: ACMG Guidelines, 2015. Collection method: clinical testing. Allele origin: germline.
Comment: The IFT172 c.3623G>C variant is predicted to result in the amino acid substitution p.Arg1208Pro. To our knowledge, this variant has not been reported in the literature. This variant is reported in 0.0041% of alleles in individuals of African descent in gnomAD. At this time, the clinical significance of this variant is uncertain due to the absence of conclusive functional and genetic evidence.

Fulgent Genetics
Classification: Uncertain significance for Short-rib thoracic dysplasia 10 with or without polydactyly; Retinitis pigmentosa 71; Bardet-Biedl syndrome 20. Last evaluated: 2024-04-04. Review status: criteria provided, single submitter. Criteria: ACMG Guidelines, 2015. Collection method: clinical testing. Allele origin: germline.

Labcorp Genetics (formerly Invitae), Labcorp
Classification: Uncertain significance for Retinitis pigmentosa 71; Short-rib thoracic dysplasia 10 with or without polydactyly. Last evaluated: 2021-08-12. Review status: criteria provided, single submitter. Criteria: Invitae Variant Classification Sherloc (09022015). Collection method: clinical testing. Allele origin: germline.
Comment: In summary, the available evidence is currently insufficient to determine the role of this variant in disease. Therefore, it has been classified as a Variant of Uncertain Significance. Algorithms developed to predict the effect of missense changes on protein structure and function are either unavailable or do not agree on the potential impact of this missense change (SIFT: "Deleterious"; PolyPhen-2: "Possibly Damaging"; Align-GVGD: "Class C0"). This variant has not been reported in the literature in individuals with IFT172-related conditions. This variant is not present in population databases (ExAC no frequency). This sequence change replaces arginine with proline at codon 1208 of the IFT172 protein (p.Arg1208Pro). The arginine residue is moderately conserved and there is a moderate physicochemical difference between arginine and proline.